The following is an entry in ClinVar:

ClinVar aggregate classification (germline): Uncertain significance (1 of 4 stars; one submission).

Conditions:
Neuroblastoma, susceptibility to, 3. Also called: ALK-Related Neuroblastic Tumor Susceptibility. Identifiers: Orphanet 635, MedGen C2751681, MONDO:0013083, OMIM 613014.

Submission:

Labcorp Genetics (formerly Invitae), Labcorp
Classification: Uncertain significance for Neuroblastoma, susceptibility to, 3. Last evaluated: 2018-02-07. Review status: criteria provided, single submitter. Criteria: Invitae Variant Classification Sherloc (09022015). Collection method: clinical testing. Allele origin: germline.
Comment: In summary, the available evidence is currently insufficient to determine the role of this variant in disease. Therefore, it has been classified as a Variant of Uncertain Significance. The current clinical and genetic evidence is not sufficient to establish whether loss-of-function variants in ALK cause disease. Algorithms developed to predict the effect of sequence changes on RNA splicing suggest that this variant may create or strengthen a splice site, but this prediction has not been confirmed by published transcriptional studies. This variant has not been reported in the literature in individuals with ALK-related disease. This variant is not present in population databases (ExAC no frequency). This sequence change creates a premature translational stop signal (p.Trp247*) in the ALK gene. It is expected to result in an absent or disrupted protein product.

NM_004304.5(ALK):c.740G>A (p.Trp247Ter)

Gene: ALK (ALK receptor tyrosine kinase; minus strand). Cytogenetic location: 2p23.2.
Variant type: single nucleotide variant.
Coding change: c.740G>A on transcript NM_004304.5 (MANE Select); coding-DNA position 740, G replaced by A.
Protein change: p.Trp247Ter; replaces tryptophan 247 with a stop codon.
Molecular consequence: nonsense.
Genome position (GRCh38, 1-based): chr2:29,717,625, C>T on the plus strand (G>A on the coding strand, the complement: ALK is on the minus strand). VCF-style: chr2-29717625-C-T. GRCh37 (hg19) VCF-style: chr2-29940491-C-T.
Other names: short protein forms W247*.
Identifiers: ClinVar variation 577188 (VCV000577188.6), dbSNP rs1558457342, ClinGen allele CA346587707.